The following is an entry in ClinVar:

NM_004415.4(DSP):c.153G>C (p.Gln51His)

Genes: DSP (desmoplakin; plus strand), DSP-AS1 (DSP antisense RNA 1; minus strand). Cytogenetic location: 6p24.3.
Variant type: single nucleotide variant.
Coding change: c.153G>C on transcript NM_004415.4 (MANE Select); coding-DNA position 153, G replaced by C.
Protein change: p.Gln51His; replaces glutamine 51 with histidine.
Molecular consequence: missense variant.
Genome position (GRCh38, 1-based): chr6:7,542,068, G>C. VCF-style: chr6-7542068-G-C. GRCh37 (hg19) VCF-style: chr6-7542301-G-C.
Other names: c.153G>C, p.Gln51His (NM_001008844.3, NM_001319034.2); short protein forms Q51H.
Identifiers: ClinVar variation 919562 (VCV000919562.4), dbSNP rs1450725914, ClinGen allele CA362675988.

ClinVar aggregate classification (germline): Uncertain significance (1 of 4 stars; one submission).

Conditions:
Cardiomyopathy (CMYO). Also called: Cardiomyopathies. Identifiers: Orphanet 167848, MedGen C0878544, MONDO:0004994, HP:0001638. Inheritance: Various modes of inheritance.

Submission:

Color Diagnostics, LLC DBA Color Health
Classification: Uncertain significance for Cardiomyopathy. Last evaluated: 2024-03-06. Review status: criteria provided, single submitter. Criteria: ACMG Guidelines, 2015. Collection method: clinical testing. Allele origin: germline.
Comment: This missense variant replaces glutamine with histidine at codon 51 of the DSP protein. Computational prediction tool suggests that this variant may not impact protein structure and function (internally defined REVEL score threshold <=0.5, PMID: 27666373). Splice site prediction tools suggest that this variant may not impact RNA splicing. To our knowledge, functional studies have not been performed for this variant. This variant has not been reported in individuals affected with cardiovascular disorders in the literature. This variant has not been identified in the general population by the Genome Aggregation Database (gnomAD). The available evidence is insufficient to determine the role of this variant in disease conclusively. Therefore, this variant is classified as a Variant of Uncertain Significance.